The following is an entry in ClinVar:

ClinVar aggregate classification (germline): Likely pathogenic (1 of 4 stars; one submission).

Conditions:
Autosomal dominant intellectual disability-craniofacial anomalies-cardiac defects syndrome (ARTHS). Also called: Arboleda-Tham syndrome; KAT6A syndrome; Mental retardation, autosomal dominant 32. Identifiers: Orphanet 457193, MedGen C4225396, MONDO:0014558, OMIM 616268.

Submission:

HUSP Clinical Genetics Laboratory, Hospital Universitario San Pedro De Logroño (HUSP)
Classification: Likely pathogenic for Autosomal dominant intellectual disability-craniofacial anomalies-cardiac defects syndrome. Review status: criteria provided, single submitter. Criteria: ACMG Guidelines, 2015. Collection method: clinical testing. Allele origin: de novo. Inheritance: Autosomal dominant inheritance. Affected: yes. Observed: 1 variant allele.
Comment: It results in a frameshift, a premature termination codon and, therefore, a truncated protein (p.Glu1297ArgfsTer16). This variant is not detected in general population and has not been reported in pathogenic data bases. The loss of function of the protein predicted by in silico tools added to de-novo origin made us labeled the variant as pathogenic. Pathogenic variants in KAT6A have been associated with Arboleda-Tham syndrome (OMIM: 616268). This clinical entity is characterized by intellectual disability, speech delay, microcephaly, and gastrointestinal complications. Half of the patients present cardiac anomalies and strabismus and 25% of patients have been detected autism spectrum disorder. Variants described that results in truncated protein exons 16-17 are associated with moderate to severe intellectual disability while those located in exons 1-15 are associated with mild intellectual disability. The inheritance pattern is autosomal dominant.

NM_006766.5(KAT6A):c.3887dup (p.Glu1297fs)

Gene: KAT6A (lysine acetyltransferase 6A; minus strand). Cytogenetic location: 8p11.21.
Variant type: Duplication.
Coding change: c.3887dup on transcript NM_006766.5 (MANE Select); coding-DNA position 3887, one base duplicated (C; older notation c.3887dupC).
Protein change: p.Glu1297fs; shifts the reading frame from glutamic acid 1297.
Molecular consequence: frameshift variant.
Genome position (GRCh38, 1-based): chr8:41,934,333, G duplicated on the plus strand (C on the coding strand, the reverse complement: KAT6A is on the minus strand); the first of 2 consecutive G bases (chr8:41,934,333-41,934,334); duplicating either gives the same sequence. VCF-style (leftmost placement, unchanged base first): chr8-41934332-T-TG. GRCh37 (hg19) VCF-style: chr8-41791850-T-TG.
Other names: c.3887dupC (NM_006766.5); short protein forms E1297fs.
Identifiers: ClinVar variation 3237187 (VCV003237187.1), dbSNP rs2486757066.